The following is an entry in ClinVar:

NM_152383.5(DIS3L2):c.1648C>T (p.Arg550Cys)

Gene: DIS3L2 (DIS3 like 3'-5' exoribonuclease 2; plus strand). Cytogenetic location: 2q37.1.
Variant type: single nucleotide variant.
Coding change: c.1648C>T on transcript NM_152383.5 (MANE Select); coding-DNA position 1648, C replaced by T.
Protein change: p.Arg550Cys; replaces arginine 550 with cysteine.
Molecular consequence: missense variant. On other transcripts: non-coding transcript variant (2), intron variant (1).
Genome position (GRCh38, 1-based): chr2:232,263,429, C>T. VCF-style: chr2-232263429-C-T. GRCh37 (hg19) VCF-style: chr2-233128139-C-T.
Other names: c.1581+67C>T (NM_001257281.2); short protein forms R550C.
Identifiers: ClinVar variation 649213 (VCV000649213.12), dbSNP rs745989142, ClinGen allele CA2164210.

ClinVar aggregate classification (germline): Uncertain significance. Review status: criteria provided, multiple submitters, no conflicts (2 of 4 stars). 3 submissions from 3 submitters: Uncertain significance (3). Last evaluated 2025-05-01.

Conditions:
Inborn genetic diseases. Identifiers: MedGen C0950123, MeSH D030342.
Perlman syndrome (PRLMNS). Identifiers: Orphanet 2849, MedGen C0796113, MONDO:0009965, OMIM 267000.

Allele frequency attached by ClinVar (database versions not stated): gnomAD 0.00001; ExAC 0.00002; gnomAD exomes 0.00002 and 0.00004; TOPMed 0.00003.
gnomAD v4.1: 34 of 1,614,054 alleles (0.0021%); highest among the groups gnomAD compares: East Asian, 0.0022%; no homozygotes.

Submissions (3):

Ambry Genetics
Classification: Uncertain significance for Inborn genetic diseases. Last evaluated: 2025-05-01. Review status: criteria provided, single submitter. Criteria: Ambry Variant Classification Scheme 2023. Collection method: clinical testing. Allele origin: germline.

Labcorp Genetics (formerly Invitae), Labcorp
Classification: Uncertain significance for Perlman syndrome. Last evaluated: 2024-05-13. Review status: criteria provided, single submitter. Criteria: Invitae Variant Classification Sherloc (09022015). Collection method: clinical testing. Allele origin: germline.
Comment: This sequence change replaces arginine, which is basic and polar, with cysteine, which is neutral and slightly polar, at codon 550 of the DIS3L2 protein (p.Arg550Cys). This variant is present in population databases (rs745989142, gnomAD 0.09%). This variant has not been reported in the literature in individuals affected with DIS3L2-related conditions. ClinVar contains an entry for this variant (Variation ID: 649213). Advanced modeling of protein sequence and biophysical properties (such as structural, functional, and spatial information, amino acid conservation, physicochemical variation, residue mobility, and thermodynamic stability) performed at Invitae indicates that this missense variant is not expected to disrupt DIS3L2 protein function with a negative predictive value of 80%. In summary, the available evidence is currently insufficient to determine the role of this variant in disease. Therefore, it has been classified as a Variant of Uncertain Significance.

Sema4
Classification: Uncertain significance for Perlman syndrome. Last evaluated: 2021-10-14. Review status: criteria provided, single submitter. Criteria: Sema4 Curation Guidelines. Collection method: curation. Allele origin: germline.
Comment: To the best of our knowledge, the DIS3L2 c.1648C>T (p.R550C) variant has not been reported in individuals with DIS3L2-related disease. This variant was observed in 10/10058 chromosomes in the Ashkenazi Jewish subpopulation, with no homozygotes, according to the Genome Aggregation Database (PMID: 32461654), and has been reported in ClinVar (Variation ID: 649213). Functional studies have not been performed, and in silico predictions of the variant's effect on protein function are inconclusive. There is no indication that this variant causes disease, but the evidence is insufficient currently to prove that conclusively. Based on the current evidence available, this variant is interpreted as a variant of uncertain significance.